The following is an entry in ClinVar:

ClinVar aggregate classification (germline): Uncertain significance. Review status: criteria provided, multiple submitters, no conflicts (2 of 4 stars). 2 submissions from 2 submitters: Uncertain significance (2). Last evaluated 2026-05-20.

Conditions:
Inborn genetic diseases. Identifiers: MedGen C0950123, MeSH D030342.

Submissions (2):

Ambry Genetics
Classification: Uncertain significance for Inborn genetic diseases. Last evaluated: 2026-05-20. Review status: criteria provided, single submitter. Criteria: Ambry Variant Classification Scheme 2023. Collection method: clinical testing. Allele origin: germline.

Labcorp Genetics (formerly Invitae), Labcorp
Classification: Uncertain significance. Last evaluated: 2024-04-16. Review status: criteria provided, single submitter. Criteria: Invitae Variant Classification Sherloc (09022015). Collection method: clinical testing. Allele origin: germline.
Comment: This sequence change replaces glutamine, which is neutral and polar, with arginine, which is basic and polar, at codon 186 of the ELOVL4 protein (p.Gln186Arg). This variant is not present in population databases (gnomAD no frequency). This variant has not been reported in the literature in individuals affected with ELOVL4-related conditions. Advanced modeling of protein sequence and biophysical properties (such as structural, functional, and spatial information, amino acid conservation, physicochemical variation, residue mobility, and thermodynamic stability) performed at Invitae indicates that this missense variant is not expected to disrupt ELOVL4 protein function with a negative predictive value of 80%. In summary, the available evidence is currently insufficient to determine the role of this variant in disease. Therefore, it has been classified as a Variant of Uncertain Significance.

NM_022726.4(ELOVL4):c.557A>G (p.Gln186Arg)

Gene: ELOVL4 (ELOVL fatty acid elongase 4; minus strand). Cytogenetic location: 6q14.1.
Variant type: single nucleotide variant.
Coding change: c.557A>G on transcript NM_022726.4 (MANE Select); coding-DNA position 557, A replaced by G.
Protein change: p.Gln186Arg; replaces glutamine 186 with arginine.
Molecular consequence: missense variant.
Genome position (GRCh38, 1-based): chr6:79,919,532, T>C on the plus strand (A>G on the coding strand, the complement: ELOVL4 is on the minus strand). VCF-style: chr6-79919532-T-C. GRCh37 (hg19) VCF-style: chr6-80629249-T-C.
Other names: c.557A>G (NM_022726.3); short protein forms Q186R.
Identifiers: ClinVar variation 3650145 (VCV003650145.3).